The following is an entry in ClinVar:

NM_001009944.3(PKD1):c.6335A>C (p.His2112Pro)

Gene: PKD1 (polycystin 1, transient receptor potential channel interacting; minus strand). Cytogenetic location: 16p13.3.
Variant type: single nucleotide variant.
Coding change: c.6335A>C on transcript NM_001009944.3 (MANE Select); coding-DNA position 6335, A replaced by C.
Protein change: p.His2112Pro; replaces histidine 2112 with proline.
Molecular consequence: missense variant.
Genome position (GRCh38, 1-based): chr16:2,108,832, T>G on the plus strand (A>C on the coding strand, the complement: PKD1 is on the minus strand). VCF-style: chr16-2108832-T-G. GRCh37 (hg19) VCF-style: chr16-2158833-T-G.
Other names: c.6335A>C, p.His2112Pro (NM_000296.4); short protein forms H2112P.
Identifiers: ClinVar variation 812025 (VCV000812025.9), dbSNP rs1596551934, ClinGen allele CA394373764.

ClinVar aggregate classification (germline): Uncertain significance. Review status: criteria provided, multiple submitters, no conflicts (2 of 4 stars). 2 submissions from 2 submitters: Uncertain significance (2). Last evaluated 2021-11-11.

Conditions:
Polycystic kidney disease, adult type (PKD1). Also called: POLYCYSTIC KIDNEY DISEASE 1 WITH OR WITHOUT POLYCYSTIC LIVER DISEASE; POLYCYSTIC KIDNEY DISEASE, ADULT, TYPE I; Polycystic Kidney, Autosomal Dominant; Polycystic Kidney Disease 1, Autosomal Dominant; Polycystic kidney disease 1; Polycystic kidney disease 1, severe. Identifiers: MedGen C3149841, MONDO:0008263, OMIM 173900.

Submissions (2):

Fulgent Genetics
Classification: Uncertain significance for Polycystic kidney disease, adult type. Last evaluated: 2021-11-11. Review status: criteria provided, single submitter. Criteria: ACMG Guidelines, 2015. Collection method: clinical testing. Allele origin: unknown.

ARUP Laboratories, Molecular Genetics and Genomics, ARUP Laboratories
Classification: Uncertain significance for Polycystic kidney disease, adult type. Last evaluated: 2019-05-06. Review status: criteria provided, single submitter. Criteria: ARUP Molecular Germline Variant Investigation Process. Collection method: clinical testing. Allele origin: germline.
Comment: The PKD1 c.6335A>C; p.His2112Pro variant, to our knowledge, is not reported in the medical literature or gene specific databases. This variant is also absent from general population databases (Exome Variant Server, Genome Aggregation Database), indicating it is not a common polymorphism. The histidine at codon 2112 is moderately conserved, and computational analyses (SIFT, PolyPhen-2) predict that this variant is deleterious. Additionally, another variants at this codon (c.6335A>T; p.His2112Leu) have been reported in at least one individual with autosomal dominant polycystic kidney disease (Kurashige 2015). However, given the lack of clinical and functional data, the significance of the p.His2112Pro variant is uncertain at this time. References: Kurashige M et al. A comprehensive search for mutations in the PKD1 and PKD2 in Japanese subjects with autosomal dominant polycystic kidney disease. Clin Genet. 2015 Mar;87(3):266-72.